The following is an entry in ClinVar:

ClinVar aggregate classification (germline): Benign/Likely benign. Review status: criteria provided, single submitter (1 of 4 stars). 2 submissions from 1 submitter: Benign (1); Likely benign (1). Last evaluated 2018-01-13.

Conditions:
Parietal foramina 1 (PFM1). Also called: FORAMINA PARIETALIA PERMAGNA; PARIETAL FORAMINA, SYMMETRIC. Identifiers: Orphanet 60015, MedGen C1868599, MONDO:0008197, OMIM 168500.
Craniosynostosis 2 (CRS2). Also called: Warman-Mulliken-Hayward syndrome; Craniosynostosis Warman type; Craniosynostosis Boston type. Identifiers: Orphanet 1541, MedGen C1858160, MONDO:0011481, OMIM 604757.

Allele frequency attached by ClinVar (database versions not stated): TOPMed 0.00002; gnomAD 0.00003; gnomAD exomes 0.00004 and 0.00007; ExAC 0.00011.
gnomAD v4.1: 63 of 1,561,890 alleles (0.004%); highest among the groups gnomAD compares: African/African-American, 0.011%; no homozygotes.

Submissions (2):

Illumina Laboratory Services, Illumina
Classification: Likely benign for Parietal foramina 1. Last evaluated: 2018-01-13. Review status: criteria provided, single submitter. Criteria: ICSL Variant Classification Criteria 13 December 2019. Collection method: clinical testing. Allele origin: germline.
Comment: This variant was observed in the ICSL laboratory as part of a predisposition screen in an ostensibly healthy population. It had not been previously curated by ICSL or reported in the Human Gene Mutation Database (HGMD: prior to June 1st, 2018), and was therefore a candidate for classification through an automated scoring system. Utilizing variant allele frequency, disease prevalence and penetrance estimates, and inheritance mode, an automated score was calculated to assess if this variant is too frequent to cause the disease. Based on the score and internal cut-off values, a variant classified as likely benign is not then subjected to further curation. The score for this variant resulted in a classification of likely benign for this disease.

Illumina Laboratory Services, Illumina
Classification: Benign for Craniosynostosis 2. Last evaluated: 2018-01-13. Review status: criteria provided, single submitter. Criteria: ICSL Variant Classification Criteria 13 December 2019. Collection method: clinical testing. Allele origin: germline.
Comment: This variant was observed in the ICSL laboratory as part of a predisposition screen in an ostensibly healthy population. It had not been previously curated by ICSL or reported in the Human Gene Mutation Database (HGMD: prior to June 1st, 2018), and was therefore a candidate for classification through an automated scoring system. Utilizing variant allele frequency, disease prevalence and penetrance estimates, and inheritance mode, an automated score was calculated to assess if this variant is too frequent to cause the disease. Based on the score and internal cut-off values, a variant classified as benign is not then subjected to further curation. The score for this variant resulted in a classification of benign for this disease.

NM_002449.5(MSX2):c.-42C>T

Gene: MSX2 (msh homeobox 2; plus strand). Cytogenetic location: 5q35.2.
Variant type: single nucleotide variant.
Coding change: c.-42C>T on transcript NM_002449.5 (MANE Select); 42 bases upstream of the start codon, C replaced by T.
Molecular consequence: 5 prime UTR variant.
Genome position (GRCh38, 1-based): chr5:174,724,618, C>T. VCF-style: chr5-174724618-C-T. GRCh37 (hg19) VCF-style: chr5-174151621-C-T.
Other names: c.-42C>T (NM_001363626.2).
Identifiers: ClinVar variation 352835 (VCV000352835.5), dbSNP rs758437365, ClinGen allele CA3565074.
Genomic context (GRCh38, chr5:174,724,618, plus strand): 5'-TCCCAGCGCGCCCCTCCCGTCTCCGCAGCAAAAAAGTTTGAGTCGCCGCTGCCGGGTTGC[C>T]AGCGGAGTCGCGCGTCGGGAGCTACGTAGGGCAGAGAAGTCATGGCTTCTCCGTCCAAAG-3'